The following is an entry in ClinVar:

NM_000535.7(PMS2):c.2388C>T (p.Val796=)

Gene: PMS2 (PMS1 homolog 2, mismatch repair system component; minus strand). Cytogenetic location: 7p22.1.
Variant type: single nucleotide variant.
Coding change: c.2388C>T on transcript NM_000535.7 (MANE Select); coding-DNA position 2388, C replaced by T.
Protein change: p.Val796=; no amino-acid change (valine 796 retained).
Molecular consequence: synonymous variant. On other transcripts: non-coding transcript variant (1).
Genome position (GRCh38, 1-based): chr7:5,977,645, G>A on the plus strand (C>T on the coding strand, the complement: PMS2 is on the minus strand). VCF-style: chr7-5977645-G-A. GRCh37 (hg19) VCF-style: chr7-6017276-G-A.
Other names: c.1983C>T, p.Val661= (NM_001322003.2, NM_001322004.2, NM_001322005.2); c.2232C>T, p.Val744= (NM_001322006.2); c.2070C>T, p.Val690= (NM_001322007.2, NM_001322008.2); c.2016C>T, p.Val672= (NM_001322009.2); c.1827C>T, p.Val609= (NM_001322010.2); c.1455C>T, p.Val485= (NM_001322011.2, NM_001322012.2); c.1815C>T, p.Val605= (NM_001322013.2); c.2421C>T, p.Val807= (NM_001322014.2); and 1 more.
Identifiers: ClinVar variation 416566 (VCV000416566.15), dbSNP rs876660875, ClinGen allele CA16612381.

ClinVar aggregate classification (germline): Benign/Likely benign. Review status: criteria provided, multiple submitters, no conflicts (2 of 4 stars). 4 submissions from 4 submitters: Benign (1); Likely benign (3). Last evaluated 2025-05-22.

Conditions:
Hereditary nonpolyposis colorectal neoplasms. Identifiers: MedGen C0009405, MeSH D003123.
Hereditary cancer-predisposing syndrome. Also called: Tumor predisposition; Neoplastic Syndromes, Hereditary; Hereditary neoplastic syndrome; Hereditary Cancer Syndrome. Identifiers: Orphanet 140162, MedGen C0027672, MeSH D009386, MONDO:0015356.
Lynch syndrome 4 (LYNCH4). Also called: Colorectal cancer, hereditary nonpolyposis, type 4; Hereditary non-polyposis colorectal cancer, type 4. Identifiers: Orphanet 144, MedGen C1838333, MONDO:0013699, OMIM 614337. Disease mechanism: loss of function.

Allele frequency attached by ClinVar (database versions not stated): TOPMed 0.00001.

Submissions (4):

Labcorp Genetics (formerly Invitae), Labcorp
Classification: Likely benign for Hereditary nonpolyposis colorectal neoplasms. Last evaluated: 2025-05-22. Review status: criteria provided, single submitter. Criteria: Invitae Variant Classification Sherloc (09022015). Collection method: clinical testing. Allele origin: germline.

Myriad Genetics, Inc.
Classification: Benign for Lynch syndrome 4. Last evaluated: 2025-02-04. Review status: criteria provided, single submitter. Criteria: Myriad Autosomal Dominant, Autosomal Recessive and X-Linked Classification Criteria (2023). Collection method: clinical testing. Allele origin: unknown.
Comment: This variant is considered benign. This variant is a silent/synonymous amino acid change and it is not expected to impact splicing.

Women's Health and Genetics/Laboratory Corporation of America, LabCorp
Classification: Likely benign. Last evaluated: 2022-06-30. Review status: criteria provided, single submitter. Criteria: LabCorp Variant Classification Summary - May 2015. Collection method: clinical testing. Allele origin: germline.

Ambry Genetics
Classification: Likely benign for Hereditary cancer-predisposing syndrome. Last evaluated: 2019-08-20. Review status: criteria provided, single submitter. Criteria: Ambry Variant Classification Scheme 2023. Collection method: clinical testing. Allele origin: germline.